The following is an entry in ClinVar:

NM_013275.6(ANKRD11):c.5468C>G (p.Ser1823Cys)

Gene: ANKRD11 (ankyrin repeat domain 11; minus strand). Cytogenetic location: 16q24.3.
Variant type: single nucleotide variant.
Coding change: c.5468C>G on transcript NM_013275.6 (MANE Select); coding-DNA position 5468, C replaced by G.
Protein change: p.Ser1823Cys; replaces serine 1823 with cysteine.
Molecular consequence: missense variant.
Genome position (GRCh38, 1-based): chr16:89,281,074, G>C on the plus strand (C>G on the coding strand, the complement: ANKRD11 is on the minus strand). VCF-style: chr16-89281074-G-C. GRCh37 (hg19) VCF-style: chr16-89347482-G-C.
Other names: c.5468C>G, p.Ser1823Cys (NM_001256182.2, NM_001256183.2); short protein forms S1823C.
Identifiers: ClinVar variation 2052718 (VCV002052718.5), dbSNP rs372569223, ClinGen allele CA8241833.

ClinVar aggregate classification (germline): Conflicting classifications of pathogenicity. Review status: criteria provided, conflicting classifications (1 of 4 stars). 2 submissions from 2 submitters: Uncertain significance (1); Likely benign (1). Last evaluated 2025-03-17.

Conditions:
Inborn genetic diseases. Identifiers: MedGen C0950123, MeSH D030342.
KBG syndrome (KBGS). Also called: ANKRD11-Related KBG Syndrome. Identifiers: Orphanet 2332, MedGen C0220687, MONDO:0007846, OMIM 148050.

Allele frequency attached by ClinVar (database versions not stated): ExAC 0.00002; ESP Exome Variant Server 0.00008; gnomAD 0.00009; gnomAD exomes 0.00014.
gnomAD v4.1: 203 of 1,608,010 alleles (0.013%); highest among the groups gnomAD compares: Non-Finnish European, 0.017%; no homozygotes.

Submissions (2):

Labcorp Genetics (formerly Invitae), Labcorp
Classification: Uncertain significance for KBG syndrome. Last evaluated: 2025-03-17. Review status: criteria provided, single submitter. Criteria: Invitae Variant Classification Sherloc (09022015). Collection method: clinical testing. Allele origin: germline.
Comment: This sequence change replaces serine, which is neutral and polar, with cysteine, which is neutral and slightly polar, at codon 1823 of the ANKRD11 protein (p.Ser1823Cys). This variant is present in population databases (rs372569223, gnomAD 0.008%). This variant has not been reported in the literature in individuals affected with ANKRD11-related conditions. ClinVar contains an entry for this variant (Variation ID: 2052718). Invitae Evidence Modeling of protein sequence and biophysical properties (such as structural, functional, and spatial information, amino acid conservation, physicochemical variation, residue mobility, and thermodynamic stability) indicates that this missense variant is not expected to disrupt ANKRD11 protein function with a negative predictive value of 95%. In summary, the available evidence is currently insufficient to determine the role of this variant in disease. Therefore, it has been classified as a Variant of Uncertain Significance.

Ambry Genetics
Classification: Likely benign for Inborn genetic diseases. Last evaluated: 2022-10-26. Review status: criteria provided, single submitter. Criteria: Ambry Variant Classification Scheme 2023. Collection method: clinical testing. Allele origin: germline.